The following is an entry in ClinVar:

NM_000391.4(TPP1):c.1552-4del

Gene: TPP1 (tripeptidyl peptidase 1; minus strand). Cytogenetic location: 11p15.4.
Variant type: Deletion.
Coding change: c.1552-4del on transcript NM_000391.4 (MANE Select); 4 bases into the intron before coding-DNA position 1552, one base deleted (C; older notation c.1552-4delC).
Molecular consequence: intron variant.
Genome position (GRCh38, 1-based): chr11:6,614,690, G deleted on the plus strand (C on the coding strand, the reverse complement: TPP1 is on the minus strand); the first of 3 consecutive G bases (chr11:6,614,690-6,614,692); deleting any one gives the same sequence. VCF-style (leftmost placement, unchanged base first): chr11-6614689-AG-A. GRCh37 (hg19) VCF-style: chr11-6635920-AG-A.
Other names: c.1552-4delC (NM_000391.3).
Identifiers: ClinVar variation 659259 (VCV000659259.10), dbSNP rs1589947372, ClinGen allele CA915947961.

ClinVar aggregate classification (germline): Uncertain significance (1 of 4 stars; one submission).

Submission:

Labcorp Genetics (formerly Invitae), Labcorp
Classification: Uncertain significance. Last evaluated: 2018-09-26. Review status: criteria provided, single submitter. Criteria: Invitae Variant Classification Sherloc (09022015). Collection method: clinical testing. Allele origin: germline.
Comment: This sequence change falls in intron 12 of the TPP1 gene. It does not directly change the encoded amino acid sequence of the TPP1 protein. In summary, the available evidence is currently insufficient to determine the role of this variant in disease. Therefore, it has been classified as a Variant of Uncertain Significance. Algorithms developed to predict the effect of sequence changes on RNA splicing suggest that this variant may disrupt the consensus splice site, but this prediction has not been confirmed by published transcriptional studies. This variant has not been reported in the literature in individuals with TPP1-related disease. This variant is not present in population databases (ExAC no frequency).